The following is an entry in ClinVar:

ClinVar aggregate classification (germline): Uncertain significance (1 of 4 stars; one submission).

Submission:

GeneDx
Classification: Uncertain significance. Last evaluated: 2024-08-15. Review status: criteria provided, single submitter. Criteria: GeneDx Variant Classification Process June 2021. Collection method: clinical testing. Allele origin: germline. Affected: yes.
Comment: Not observed at significant frequency in large population cohorts (gnomAD); In silico analysis supports that this missense variant has a deleterious effect on protein structure/function; Has not been previously published as pathogenic or benign to our knowledge

NM_001273.5(CHD4):c.2144A>C (p.Gln715Pro)

Gene: CHD4 (chromodomain helicase DNA binding protein 4; minus strand). Cytogenetic location: 12p13.31.
Variant type: single nucleotide variant.
Coding change: c.2144A>C on transcript NM_001273.5 (MANE Select); coding-DNA position 2144, A replaced by C.
Protein change: p.Gln715Pro; replaces glutamine 715 with proline.
Molecular consequence: missense variant.
Genome position (GRCh38, 1-based): chr12:6,594,628, T>G on the plus strand (A>C on the coding strand, the complement: CHD4 is on the minus strand). VCF-style: chr12-6594628-T-G. GRCh37 (hg19) VCF-style: chr12-6703794-T-G.
Other names: c.2123A>C, p.Gln708Pro (NM_001297553.2); c.2105A>C, p.Gln702Pro (NM_001363606.2); short protein forms Q702P, Q708P, Q715P.
Identifiers: ClinVar variation 3731262 (VCV003731262.1).